The following is an entry in ClinVar:

ClinVar aggregate classification (germline): Uncertain significance (1 of 4 stars; one submission).

Conditions:
Alstrom syndrome (ALMS). Identifiers: Orphanet 64, MedGen C0268425, MONDO:0008763, OMIM 203800.

gnomAD v4.1: 3 of 1,614,138 alleles (0.00019%); highest among the groups gnomAD compares: Non-Finnish European, 0.00025%; no homozygotes.

Submission:

Labcorp Genetics (formerly Invitae), Labcorp
Classification: Uncertain significance for Alstrom syndrome. Last evaluated: 2024-12-16. Review status: criteria provided, single submitter. Criteria: Invitae Variant Classification Sherloc (09022015). Collection method: clinical testing. Allele origin: germline.
Comment: This sequence change replaces proline with threonine at codon 2610 of the ALMS1 protein (p.Pro2610Thr). The proline residue is moderately conserved and there is a small physicochemical difference between proline and threonine. This variant is not present in population databases (gnomAD no frequency). This variant has not been reported in the literature in individuals affected with ALMS1-related conditions. ClinVar contains an entry for this variant (Variation ID: 1440623). Experimental studies and prediction algorithms are not available or were not evaluated, and the functional significance of this variant is currently unknown. In summary, the available evidence is currently insufficient to determine the role of this variant in disease. Therefore, it has been classified as a Variant of Uncertain Significance.

NM_001378454.1(ALMS1):c.7825C>A (p.Pro2609Thr)

Gene: ALMS1 (ALMS1 centrosome and basal body associated protein; plus strand). Cytogenetic location: 2p13.1.
Variant type: single nucleotide variant.
Coding change: c.7825C>A on transcript NM_001378454.1 (MANE Select); coding-DNA position 7825, C replaced by A.
Protein change: p.Pro2609Thr; replaces proline 2609 with threonine.
Molecular consequence: missense variant.
Genome position (GRCh38, 1-based): chr2:73,489,784, C>A. VCF-style: chr2-73489784-C-A. GRCh37 (hg19) VCF-style: chr2-73716911-C-A.
Other names: c.7828C>A, p.Pro2610Thr (NM_015120.4); short protein forms P2610T, P2609T.
Identifiers: ClinVar variation 1440623 (VCV001440623.5), dbSNP rs2103889689, ClinGen allele CA347264148.